The following is an entry in ClinVar:

ClinVar aggregate classification (germline): Uncertain significance (1 of 4 stars; one submission).

Conditions:
Epidermolysis bullosa simplex, Ogna type (EBS5A). Also called: Pidermolysis bullosa simplex 5A, Ogna type; EPIDERMOLYSIS BULLOSA SIMPLEX 5A, OGNA TYPE. Identifiers: Orphanet 79401, MedGen C0432317, MONDO:0007555, OMIM 131950.
Epidermolysis bullosa simplex 5C, with pyloric atresia (EBS5C). Also called: PLEC-Related Epidermolysis Bullosa with Pyloric Atresia; Epidermolysis bullosa simplex with pyloric atresia; PLEC1-Related Epidermolysis Bullosa with Pyloric Atresia. Identifiers: Orphanet 158684, MedGen C2677349, MONDO:0012807, OMIM 612138.
Autosomal recessive limb-girdle muscular dystrophy type 2Q (LGMDR17). Also called: MUSCULAR DYSTROPHY, LIMB-GIRDLE, AUTOSOMAL RECESSIVE 17. Identifiers: Orphanet 254361, MedGen C3150989, MONDO:0013390, OMIM 613723.
Epidermolysis bullosa simplex with nail dystrophy (EBS5D). Identifiers: MedGen C4225309, MONDO:0014661, OMIM 616487.
Epidermolysis bullosa simplex 5B, with muscular dystrophy (EBS5B). Also called: EPIDERMOLYSIS BULLOSA SIMPLEX AND LIMB-GIRDLE MUSCULAR DYSTROPHY; Epidermolysis bullosa simplex with muscular dystrophy. Identifiers: Orphanet 257, MedGen C2931072, MONDO:0009181, OMIM 226670.

Allele frequency attached by ClinVar (database versions not stated): gnomAD exomes 0.00001; gnomAD 0.00002.
gnomAD v4.1: 15 of 1,596,588 alleles (0.00094%); highest among the groups gnomAD compares: African/African-American, 0.0013%; no homozygotes.

Submission:

Labcorp Genetics (formerly Invitae), Labcorp
Classification: Uncertain significance for Autosomal recessive limb-girdle muscular dystrophy type 2Q; Epidermolysis bullosa simplex, Ogna type; Epidermolysis bullosa simplex with nail dystrophy; Epidermolysis bullosa simplex 5C, with pyloric atresia; Epidermolysis bullosa simplex 5B, with muscular dystrophy. Last evaluated: 2022-08-27. Review status: criteria provided, single submitter. Criteria: Invitae Variant Classification Sherloc (09022015). Collection method: clinical testing. Allele origin: germline.
Comment: In summary, the available evidence is currently insufficient to determine the role of this variant in disease. Therefore, it has been classified as a Variant of Uncertain Significance. Algorithms developed to predict the effect of missense changes on protein structure and function are either unavailable or do not agree on the potential impact of this missense change (SIFT: "Deleterious"; PolyPhen-2: "Not Available"; Align-GVGD: "Class C55"). This variant has not been reported in the literature in individuals affected with PLEC-related conditions. This variant is present in population databases (no rsID available, gnomAD 0.001%). This sequence change replaces lysine, which is basic and polar, with glutamic acid, which is acidic and polar, at codon 1886 of the PLEC protein (p.Lys1886Glu).

NM_201384.3(PLEC):c.5575A>G (p.Lys1859Glu)

Gene: PLEC (plectin; minus strand). Cytogenetic location: 8q24.3.
Variant type: single nucleotide variant.
Coding change: c.5575A>G on transcript NM_201384.3 (MANE Select); coding-DNA position 5575, A replaced by G.
Protein change: p.Lys1859Glu; replaces lysine 1859 with glutamic acid.
Molecular consequence: missense variant.
Genome position (GRCh38, 1-based): chr8:143,924,354, T>C on the plus strand (A>G on the coding strand, the complement: PLEC is on the minus strand). VCF-style: chr8-143924354-T-C. GRCh37 (hg19) VCF-style: chr8-144998522-T-C.
Other names: c.5656A>G, p.Lys1886Glu (NM_000445.5); c.5533A>G, p.Lys1845Glu (NM_201378.4); c.5509A>G, p.Lys1837Glu (NM_201379.3); c.5986A>G, p.Lys1996Glu (NM_201380.4); c.5479A>G, p.Lys1827Glu (NM_201381.3); c.5575A>G, p.Lys1859Glu (NM_201382.4); c.5587A>G, p.Lys1863Glu (NM_201383.3); short protein forms K1827E, K1837E, K1845E, K1859E, K1996E, K1863E, K1886E.
Identifiers: ClinVar variation 2026611 (VCV002026611.4), dbSNP rs1435085245, ClinGen allele CA372543644.